The following is an entry in ClinVar:

NM_017514.5(PLXNA3):c.370C>T (p.Arg124Cys)

Gene: PLXNA3 (plexin A3; plus strand). Cytogenetic location: Xq28.
Variant type: single nucleotide variant.
Coding change: c.370C>T on transcript NM_017514.5 (MANE Select); coding-DNA position 370, C replaced by T.
Protein change: p.Arg124Cys; replaces arginine 124 with cysteine.
Molecular consequence: missense variant.
Genome position (GRCh38, 1-based): chrX:154,460,553, C>T. VCF-style: chrX-154460553-C-T. GRCh37 (hg19) VCF-style: chrX-153688893-C-T.
Other names: c.370C>T (NM_017514.3); short protein forms R124C.
Identifiers: ClinVar variation 2661823 (VCV002661823.27), dbSNP rs782602470, ClinGen allele CA10563670.

ClinVar aggregate classification (germline): Conflicting classifications of pathogenicity. Review status: criteria provided, conflicting classifications (1 of 4 stars). 3 submissions from 3 submitters: Uncertain significance (2); Likely benign (1). Last evaluated 2026-04-21.

Conditions:
PLXNA3-related disorder. Also called: PLXNA3-related condition.

Allele frequency attached by ClinVar (database versions not stated): gnomAD 0.00004; gnomAD exomes 0.00005; ExAC 0.00006; TOPMed 0.00006.
gnomAD v4.1: 60 of 1,208,550 alleles (0.005%); highest among the groups gnomAD compares: Admixed American, 0.013%; no homozygotes.

Submissions (3):

PreventionGenetics, part of Exact Sciences
Classification: Uncertain significance for PLXNA3-related condition. Last evaluated: 2026-04-21. Review status: criteria provided, single submitter. Criteria: ACMG Guidelines, 2015. Collection method: clinical testing. Allele origin: germline.
Comment: The PLXNA3 c.370C>T variant is predicted to result in the amino acid substitution p.Arg124Cys. To our knowledge, this variant has not been reported in the literature. This variant is reported in 0.096% of alleles in individuals of Ashkenazi Jewish descent in gnomAD. Although we suspect that this variant may be benign, at this time, the clinical significance of this variant is uncertain due to the absence of conclusive functional and genetic evidence.

Ambry Genetics
Classification: Uncertain significance. Last evaluated: 2025-09-10. Review status: criteria provided, single submitter. Criteria: Ambry Variant Classification Scheme 2023. Collection method: clinical testing. Allele origin: germline.

CeGaT Center for Human Genetics Tuebingen
Classification: Likely benign. Last evaluated: 2023-03-01. Review status: criteria provided, single submitter. Criteria: CeGaT Center For Human Genetics Tuebingen Variant Classification Criteria Version 2. Collection method: clinical testing. Allele origin: germline. Affected: yes. Observed: 1 variant allele.
Comment: PLXNA3: BS2